The following is an entry in ClinVar:

ClinVar aggregate classification (germline): Uncertain significance. Review status: criteria provided, multiple submitters, no conflicts (2 of 4 stars). 2 submissions from 2 submitters: Uncertain significance (2). Last evaluated 2025-11-24.

Conditions:
Inborn genetic diseases. Identifiers: MedGen C0950123, MeSH D030342.

Allele frequency attached by ClinVar (database versions not stated): TOPMed below 0.00001.

Submissions (2):

Ambry Genetics
Classification: Uncertain significance for Inborn genetic diseases. Last evaluated: 2025-11-24. Review status: criteria provided, single submitter. Criteria: Ambry Variant Classification Scheme 2023. Collection method: clinical testing. Allele origin: germline.

Labcorp Genetics (formerly Invitae), Labcorp
Classification: Uncertain significance. Last evaluated: 2024-10-26. Review status: criteria provided, single submitter. Criteria: Invitae Variant Classification Sherloc (09022015). Collection method: clinical testing. Allele origin: germline.
Comment: This sequence change replaces alanine, which is neutral and non-polar, with glutamic acid, which is acidic and polar, at codon 1174 of the EYS protein (p.Ala1174Glu). This variant is not present in population databases (gnomAD no frequency). This variant has not been reported in the literature in individuals affected with EYS-related conditions. ClinVar contains an entry for this variant (Variation ID: 1406497). Invitae Evidence Modeling of protein sequence and biophysical properties (such as structural, functional, and spatial information, amino acid conservation, physicochemical variation, residue mobility, and thermodynamic stability) indicates that this missense variant is not expected to disrupt EYS protein function with a negative predictive value of 80%. In summary, the available evidence is currently insufficient to determine the role of this variant in disease. Therefore, it has been classified as a Variant of Uncertain Significance.

NM_001142800.2(EYS):c.3521C>A (p.Ala1174Glu)

Gene: EYS (EGF-like photoreceptor maintenance factor; minus strand). Cytogenetic location: 6q12.
Variant type: single nucleotide variant.
Coding change: c.3521C>A on transcript NM_001142800.2 (MANE Select); coding-DNA position 3521, C replaced by A.
Protein change: p.Ala1174Glu; replaces alanine 1174 with glutamic acid.
Molecular consequence: missense variant.
Genome position (GRCh38, 1-based): chr6:64,626,168, G>T on the plus strand (C>A on the coding strand, the complement: EYS is on the minus strand). VCF-style: chr6-64626168-G-T. GRCh37 (hg19) VCF-style: chr6-65336061-G-T.
Other names: c.3521C>A, p.Ala1174Glu (NM_001292009.2); c.3521C>A (NM_001142800.1); short protein forms A1174E.
Identifiers: ClinVar variation 1406497 (VCV001406497.6), dbSNP rs1767602954, ClinGen allele CA364785365.